The following is an entry in ClinVar:

ClinVar aggregate classification (germline): Uncertain significance (1 of 4 stars; one submission).

Conditions:
Mucopolysaccharidosis, MPS-IV-A (MPS4A). Also called: Mucopolysaccharidosis type IV A; Mucopolysaccharidosis Type IVA; Morquio syndrome A, mild; MORQUIO SYNDROME A; MPS IVA; mucopolysaccharidosis type 4A. Identifiers: Orphanet 309297, Orphanet 582, MedGen C0086651, MONDO:0009659, OMIM 253000.

Submission:

Laboratory of Diagnosis and Therapy of Lysosomal Disorders, University of Padova
Classification: Uncertain significance for Mucopolysaccharidosis, MPS-IV-A. Last evaluated: 2021-02-01. Review status: criteria provided, single submitter. Criteria: ACMG Guidelines, 2015. Collection method: curation. Allele origin: germline. Affected: yes.
Comment: Absent from gnomAD v2.1.1 (PM2_moderate)

Literature cited by the submitters: PubMed 16287098; PubMed 9298823; PubMed 34387910.

NM_000512.5(GALNS):c.1226G>C (p.Trp409Ser)

Gene: GALNS (galactosamine (N-acetyl)-6-sulfatase; minus strand). Cytogenetic location: 16q24.3.
Variant type: single nucleotide variant.
Coding change: c.1226G>C on transcript NM_000512.5 (MANE Select); coding-DNA position 1226, G replaced by C.
Protein change: p.Trp409Ser; replaces tryptophan 409 with serine.
Molecular consequence: missense variant.
Genome position (GRCh38, 1-based): chr16:88,824,783, C>G on the plus strand (G>C on the coding strand, the complement: GALNS is on the minus strand). VCF-style: chr16-88824783-C-G. GRCh37 (hg19) VCF-style: chr16-88891191-C-G.
Other names: c.671G>C, p.Trp224Ser (NM_001323543.2); c.1244G>C, p.Trp415Ser (NM_001323544.2); short protein forms W224S, W409S, W415S.
Identifiers: ClinVar variation 1048349 (VCV001048349.3), dbSNP rs2142993782, ClinGen allele CA397097463.
Genomic context (GRCh38, chr16:88,824,783, plus strand): 5'-AGATGGGGGCAGCTCCGCCTGCGCCCACGTCCCGAGCCCTGTACCTGTCTGAAGTTCTCC[C>G]AGGAGTTGGTCCAGGTCCAGAAGTGAGCCTTGTGCTGCCCGAGGGTGGCCGCCATCAGCG-3'
Protein context (NP_000503.1, residues 399-419): KAHFWTWTNS[Trp409Ser]ENFRQGIDFC